The following is an entry in ClinVar:

ClinVar aggregate classification (germline): Pathogenic (1 of 4 stars; one submission).

Conditions:
Nephronophthisis 18 (NPHP18). Identifiers: Orphanet 655, MedGen C3890591, MONDO:0014374, OMIM 615862.

Allele frequency attached by ClinVar (database versions not stated): gnomAD exomes below 0.00001; gnomAD 0.00001; TOPMed 0.00002.
gnomAD v4.1: 5 of 1,605,240 alleles (0.00031%); highest among the groups gnomAD compares: African/African-American, 0.0027%; no homozygotes.

Submission:

Labcorp Genetics (formerly Invitae), Labcorp
Classification: Pathogenic for Nephronophthisis 18. Last evaluated: 2021-10-10. Review status: criteria provided, single submitter. Criteria: Invitae Variant Classification Sherloc (09022015). Collection method: clinical testing. Allele origin: germline.
Comment: This sequence change creates a premature translational stop signal (p.Gln623*) in the CEP83 gene. It is expected to result in an absent or disrupted protein product. Loss-of-function variants in CEP83 are known to be pathogenic (PMID: 23530209, 24882706). For these reasons, this variant has been classified as Pathogenic. This variant has not been reported in the literature in individuals affected with CEP83-related conditions. This variant is not present in population databases (ExAC no frequency).

Literature cited by the submitters: PubMed 23530209; PubMed 24882706.

NM_016122.3(CEP83):c.1867C>T (p.Gln623Ter)

Gene: CEP83 (centrosomal protein 83; minus strand). Cytogenetic location: 12q22.
Variant type: single nucleotide variant.
Coding change: c.1867C>T on transcript NM_016122.3 (MANE Select); coding-DNA position 1867, C replaced by T.
Protein change: p.Gln623Ter; replaces glutamine 623 with a stop codon.
Molecular consequence: nonsense. On other transcripts: non-coding transcript variant (2).
Genome position (GRCh38, 1-based): chr12:94,310,052, G>A on the plus strand (C>T on the coding strand, the complement: CEP83 is on the minus strand). VCF-style: chr12-94310052-G-A. GRCh37 (hg19) VCF-style: chr12-94703828-G-A.
Other names: c.1867C>T, p.Gln623Ter (NM_001042399.2, NM_001346457.2, NM_001368037.1 and 1 more transcripts); c.1555C>T, p.Gln519Ter (NM_001346458.2, NM_001346459.2, NM_001368039.1 and 1 more transcripts); c.1642C>T, p.Gln548Ter (NM_001368041.1); short protein forms Q548*, Q519*, Q623*.
Identifiers: ClinVar variation 1400746 (VCV001400746.6), dbSNP rs1198459012, ClinGen allele CA386046463.